The following is an entry in ClinVar:

NM_004629.2(FANCG):c.76C>G (p.Gln26Glu)

Gene: FANCG (FA complementation group G; minus strand). Cytogenetic location: 9p13.3.
Variant type: single nucleotide variant.
Coding change: c.76C>G on transcript NM_004629.2 (MANE Select); coding-DNA position 76, C replaced by G.
Protein change: p.Gln26Glu; replaces glutamine 26 with glutamic acid.
Molecular consequence: missense variant.
Genome position (GRCh38, 1-based): chr9:35,079,449, G>C on the plus strand (C>G on the coding strand, the complement: FANCG is on the minus strand). VCF-style: chr9-35079449-G-C. GRCh37 (hg19) VCF-style: chr9-35079446-G-C.
Other names: short protein forms Q26E.
Identifiers: ClinVar variation 3848402 (VCV003848402.1).

ClinVar aggregate classification (germline): Uncertain significance (1 of 4 stars; one submission).

Conditions:
Inborn genetic diseases. Identifiers: MedGen C0950123, MeSH D030342.

Submission:

Ambry Genetics
Classification: Uncertain significance for Inborn genetic diseases. Last evaluated: 2025-01-10. Review status: criteria provided, single submitter. Criteria: Ambry Variant Classification Scheme 2023. Collection method: clinical testing. Allele origin: germline.
Comment: The p.Q26E variant (also known as c.76C>G), located in coding exon 1 of the FANCG gene, results from a C to G substitution at nucleotide position 76. The glutamine at codon 26 is replaced by glutamic acid, an amino acid with highly similar properties. This amino acid position is conserved. In addition, the in silico prediction for this alteration is inconclusive. Based on the available evidence, the clinical significance of this variant remains unclear.